The following is an entry in ClinVar:

NM_001035.3(RYR2):c.9166G>T (p.Ala3056Ser)

Gene: RYR2 (ryanodine receptor 2; plus strand). Cytogenetic location: 1q43.
Variant type: single nucleotide variant.
Coding change: c.9166G>T on transcript NM_001035.3 (MANE Select); coding-DNA position 9166, G replaced by T.
Protein change: p.Ala3056Ser; replaces alanine 3056 with serine.
Molecular consequence: missense variant.
Genome position (GRCh38, 1-based): chr1:237,700,266, G>T. VCF-style: chr1-237700266-G-T. GRCh37 (hg19) VCF-style: chr1-237863566-G-T.
Other names: short protein forms A3056S.
Identifiers: ClinVar variation 1171414 (VCV001171414.3), dbSNP rs868335612, ClinGen allele CA39786370.

ClinVar aggregate classification (germline): Uncertain significance (1 of 4 stars; one submission).

Conditions:
Cardiomyopathy (CMYO). Also called: Cardiomyopathies. Identifiers: Orphanet 167848, MedGen C0878544, MONDO:0004994, HP:0001638. Inheritance: Various modes of inheritance.

Submission:

Color Diagnostics, LLC DBA Color Health
Classification: Uncertain significance for Cardiomyopathy. Last evaluated: 2024-03-06. Review status: criteria provided, single submitter. Criteria: ACMG Guidelines, 2015. Collection method: clinical testing. Allele origin: germline.
Comment: This variant replaces alanine with serine at codon 3056 of the RYR2 protein. Computational prediction suggests that this variant may not impact protein structure and function (internally defined REVEL score threshold <= 0.5, PMID: 27666373). To our knowledge, functional studies have not been reported for this variant. This variant has not been reported in individuals affected with cardiovascular disorders in the literature. This variant has not been identified in the general population by the Genome Aggregation Database (gnomAD). The available evidence is insufficient to determine the role of this variant in disease conclusively. Therefore, this variant is classified as a Variant of Uncertain Significance.